The following is an entry in ClinVar:

NM_020207.7(ERCC6L2):c.1531A>G (p.Lys511Glu)

Gene: ERCC6L2 (ERCC excision repair 6 like 2; plus strand). Cytogenetic location: 9q22.32.
Variant type: single nucleotide variant.
Coding change: c.1531A>G on transcript NM_020207.7 (MANE Select); coding-DNA position 1531, A replaced by G.
Protein change: p.Lys511Glu; replaces lysine 511 with glutamic acid.
Molecular consequence: missense variant. On other transcripts: non-coding transcript variant (1).
Genome position (GRCh38, 1-based): chr9:95,923,377, A>G. VCF-style: chr9-95923377-A-G. GRCh37 (hg19) VCF-style: chr9-98685659-A-G.
Other names: c.1531A>G, p.Lys511Glu (NM_001375293.1, NM_001375294.1, NM_001010895.4 and 2 more transcripts); short protein forms K511E.
Identifiers: ClinVar variation 4618733 (VCV004618733.1).
Genomic context (GRCh38, chr9:95,923,377, plus strand): 5'-CAGAAAAGCAAAGATGCAGCCTTTGAAACACTTTCTGACCCTAAATACAGTGGAAAAATG[A>G]AGGTAAGTGCTCCTCTTTCAGGTTGCATACAGACATGATACACAAAATATTTATTCAGTG-3'
Protein context (NP_064592.3, residues 501-521): LSDPKYSGKM[Lys511Glu]VLQQLLNHCR

ClinVar aggregate classification (germline): Uncertain significance (1 of 4 stars; one submission).

Conditions:
Inborn genetic diseases. Identifiers: MedGen C0950123, MeSH D030342.

Submission:

Ambry Genetics
Classification: Uncertain significance for Inborn genetic diseases. Last evaluated: 2025-10-16. Review status: criteria provided, single submitter. Criteria: Ambry Variant Classification Scheme 2023. Collection method: clinical testing. Allele origin: germline.
Comment: The p.K511E variant (also known as c.1531A>G), located in coding exon 9 of the ERCC6L2 gene, results from an A to G substitution at nucleotide position 1531. The lysine at codon 511 is replaced by glutamic acid, an amino acid with similar properties. This amino acid position is conserved. In addition, the in silico prediction for this alteration is inconclusive. Based on the available evidence, the clinical significance of this variant remains unclear.